The following is an entry in ClinVar:

ClinVar aggregate classification (germline): Uncertain significance (1 of 4 stars; one submission).

Conditions:
Cardiovascular phenotype. Identifiers: MedGen CN230736.
Hereditary cancer-predisposing syndrome. Also called: Tumor predisposition; Hereditary neoplastic syndrome; Neoplastic Syndromes, Hereditary; Hereditary Cancer Syndrome. Identifiers: Orphanet 140162, MedGen C0027672, MeSH D009386, MONDO:0015356.

Submission:

Ambry Genetics
Classification: Uncertain significance for Cardiovascular phenotype; Hereditary cancer-predisposing syndrome. Last evaluated: 2025-05-19. Review status: criteria provided, single submitter. Criteria: Ambry Variant Classification Scheme 2023. Collection method: clinical testing. Allele origin: germline.
Comment: The p.K239N variant (also known as c.717G>T), located in coding exon 8 of the LZTR1 gene, results from a G to T substitution at nucleotide position 717. The lysine at codon 239 is replaced by asparagine, an amino acid with similar properties. This amino acid position is conserved. In addition, this alteration is predicted to be tolerated by in silico analysis. Based on the available evidence, the clinical significance of this variant remains unclear.

NM_006767.4(LZTR1):c.717G>T (p.Lys239Asn)

Gene: LZTR1 (leucine zipper like post translational regulator 1; plus strand). Cytogenetic location: 22q11.21.
Variant type: single nucleotide variant.
Coding change: c.717G>T on transcript NM_006767.4 (MANE Select); coding-DNA position 717, G replaced by T.
Protein change: p.Lys239Asn; replaces lysine 239 with asparagine.
Molecular consequence: missense variant.
Genome position (GRCh38, 1-based): chr22:20,990,451, G>T. VCF-style: chr22-20990451-G-T. GRCh37 (hg19) VCF-style: chr22-21344740-G-T.
Other names: short protein forms K239N.
Identifiers: ClinVar variation 3993751 (VCV003993751.1).
Genomic context (GRCh38, chr22:20,990,451, plus strand): 5'-CCAGAGTGGCGAGATCCCCCCATCTTGCTGCAACTTCCCCGTGGCTGTGTGCCGGGACAA[G>T]ATGTTTGTATTCTCTGGGCAAAGCGGAGCCAAAATAACCAACAACCTCTTCCAGTTTGAA-3'
Protein context (NP_006758.2, residues 229-249): CNFPVAVCRD[Lys239Asn]MFVFSGQSGA